The following is an entry in ClinVar:

NM_024675.4(PALB2):c.194C>G (p.Pro65Arg)

Gene: PALB2 (partner and localizer of BRCA2; minus strand). Cytogenetic location: 16p12.2.
Variant type: single nucleotide variant.
Coding change: c.194C>G on transcript NM_024675.4 (MANE Select); coding-DNA position 194, C replaced by G.
Protein change: p.Pro65Arg; replaces proline 65 with arginine.
Molecular consequence: missense variant.
Genome position (GRCh38, 1-based): chr16:23,637,867, G>C on the plus strand (C>G on the coding strand, the complement: PALB2 is on the minus strand). VCF-style: chr16-23637867-G-C. GRCh37 (hg19) VCF-style: chr16-23649188-G-C.
Other names: short protein forms P65R.
Identifiers: ClinVar variation 233066 (VCV000233066.18), dbSNP rs62625272, ClinGen allele CA10580048.
Genomic context (GRCh38, chr16:23,637,867, plus strand): 5'-AAATGAATAATAAAGCAGGCATAAGTGAATGGTCTAGATTTACCTGAGTGTTTTAGCTGC[G>C]GTGAGAGATCCTGCTGAGACAAACAATCTTGTTCTTCTACTGTTTTCTTAATAGAATGCT-3'
Protein context (NP_078951.2, residues 55-75): QDCLSQQDLS[Pro65Arg]QLKHSEPKNK

ClinVar aggregate classification (germline): Uncertain significance. Review status: criteria provided, multiple submitters, no conflicts (2 of 4 stars). 2 submissions from 2 submitters: Uncertain significance (2). Last evaluated 2025-11-23.

Conditions:
Hereditary cancer-predisposing syndrome. Also called: Neoplastic Syndromes, Hereditary; Tumor predisposition; Hereditary Cancer Syndrome; Hereditary neoplastic syndrome. Identifiers: Orphanet 140162, MedGen C0027672, MeSH D009386, MONDO:0015356.
Familial cancer of breast. Also called: BREAST CANCER, FAMILIAL; hereditary breast carcinoma; Hereditary breast cancer. Identifiers: Orphanet 227535, MedGen C0346153, MONDO:0016419, OMIM 114480. Disease mechanism: loss of function.

Allele frequency attached by ClinVar (database versions not stated): TOPMed 0.00001.

Submissions (2):

Ambry Genetics
Classification: Uncertain significance for Hereditary cancer-predisposing syndrome. Last evaluated: 2025-11-23. Review status: criteria provided, single submitter. Criteria: Ambry Variant Classification Scheme 2023. Collection method: clinical testing. Allele origin: germline.
Comment: The p.P65R variant (also known as c.194C>G), located in coding exon 3 of the PALB2 gene, results from a C to G substitution at nucleotide position 194. The proline at codon 65 is replaced by arginine, an amino acid with dissimilar properties. This alteration has been reported in the literature in a cohort of 279 African American individuals diagnosed with breast cancer (Zheng Y et al, Cancer 2012 Mar; 118(5):1362-70). This amino acid position is poorly conserved in available vertebrate species. In addition, this alteration is predicted to be tolerated by in silico analysis. Since supporting evidence is limited at this time, the clinical significance of this alteration remains unclear.

Labcorp Genetics (formerly Invitae), Labcorp
Classification: Uncertain significance for Familial cancer of breast. Last evaluated: 2025-06-16. Review status: criteria provided, single submitter. Criteria: Invitae Variant Classification Sherloc (09022015). Collection method: clinical testing. Allele origin: germline.
Comment: This sequence change replaces proline, which is neutral and non-polar, with arginine, which is basic and polar, at codon 65 of the PALB2 protein (p.Pro65Arg). This variant is not present in population databases (gnomAD no frequency). This missense change has been observed in individual(s) with breast cancer (PMID: 21932393). ClinVar contains an entry for this variant (Variation ID: 233066). An algorithm developed to predict the effect of missense changes on protein structure and function (PolyPhen-2) suggests that this variant is likely to be tolerated. In summary, the available evidence is currently insufficient to determine the role of this variant in disease. Therefore, it has been classified as a Variant of Uncertain Significance.

Literature cited by the submitters: PubMed 21932393 (cited by Ambry Genetics and Labcorp Genetics (formerly Invitae), Labcorp).